The following is an entry in ClinVar:

ClinVar aggregate classification (germline): Uncertain significance (1 of 4 stars; one submission).

Allele frequency attached by ClinVar (database versions not stated): TOPMed below 0.00001.

Submission:

Labcorp Genetics (formerly Invitae), Labcorp
Classification: Uncertain significance. Last evaluated: 2025-06-16. Review status: criteria provided, single submitter. Criteria: Invitae Variant Classification Sherloc (09022015). Collection method: clinical testing. Allele origin: germline.
Comment: This sequence change replaces isoleucine, which is neutral and non-polar, with threonine, which is neutral and polar, at codon 187 of the SRP54 protein (p.Ile187Thr). This variant is not present in population databases (gnomAD no frequency). This variant has not been reported in the literature in individuals affected with SRP54-related conditions. ClinVar contains an entry for this variant (Variation ID: 2877045). Invitae Evidence Modeling of protein sequence and biophysical properties (such as structural, functional, and spatial information, amino acid conservation, physicochemical variation, residue mobility, and thermodynamic stability) indicates that this missense variant is expected to disrupt SRP54 protein function with a positive predictive value of 80%. In summary, the available evidence is currently insufficient to determine the role of this variant in disease. Therefore, it has been classified as a Variant of Uncertain Significance.

NM_003136.4(SRP54):c.560T>C (p.Ile187Thr)

Gene: SRP54 (signal recognition particle 54; plus strand). Cytogenetic location: 14q13.2.
Variant type: single nucleotide variant.
Coding change: c.560T>C on transcript NM_003136.4 (MANE Select); coding-DNA position 560, T replaced by C.
Protein change: p.Ile187Thr; replaces isoleucine 187 with threonine.
Molecular consequence: missense variant.
Genome position (GRCh38, 1-based): chr14:35,011,583, T>C. VCF-style: chr14-35011583-T-C. GRCh37 (hg19) VCF-style: chr14-35480789-T-C.
Other names: c.413T>C, p.Ile138Thr (NM_001146282.2); c.560T>C, p.Ile187Thr (NM_001411017.1); short protein forms I187T, I138T.
Identifiers: ClinVar variation 2877045 (VCV002877045.3), dbSNP rs1021985705, ClinGen allele CA258817357.
Genomic context (GRCh38, chr14:35,011,583, plus strand): 5'-ATCCTGTCATCATTGCTTCTGAAGGAGTAGAGAAATTTAAAAATGAAAATTTTGAAATTA[T>C]TATTGTTGATACAAGTGGCCGCCACAAACAAGAAGACTCTTTGTTTGAAGAAATGCTTCA-3'
Protein context (NP_003127.1, residues 177-197): EKFKNENFEI[Ile187Thr]IVDTSGRHKQ